The following is an entry in ClinVar:

ClinVar aggregate classification (germline): Uncertain significance. Review status: criteria provided, single submitter (1 of 4 stars). 2 submissions from 2 submitters: Uncertain significance (1). 1 of the submissions does not count toward it. Last evaluated 2018-01-12.

Conditions:
CATSPER1-related disorder. Also called: CATSPER1-related condition.
Spermatogenic failure 7. Also called: MALE INFERTILITY, NONSYNDROMIC, AUTOSOMAL RECESSIVE. Identifiers: Orphanet 276234, MedGen C2751811, MONDO:0013070, OMIM 612997.

Allele frequency attached by ClinVar (database versions not stated): TOPMed 0.00084; ESP Exome Variant Server 0.00085; 1000 Genomes Project 30x 0.00109; 1000 Genomes Project 0.00120; ExAC 0.00124; gnomAD exomes 0.00150; gnomAD 0.00159 and 0.00167.
gnomAD v4.1: 2,158 of 1,613,416 alleles (0.13%); highest among the groups gnomAD compares: Admixed American, 0.2%; 7 homozygotes.

Submissions (2):

Illumina Laboratory Services, Illumina
Classification: Uncertain significance for Spermatogenic failure 7. Last evaluated: 2018-01-12. Review status: criteria provided, single submitter. Criteria: ICSL Variant Classification Criteria 13 December 2019. Collection method: clinical testing. Allele origin: germline.

PreventionGenetics, part of Exact Sciences
Classification: Likely benign for CATSPER1-related condition. Last evaluated: 2019-03-27. Review status: no assertion criteria provided. Collection method: clinical testing. Allele origin: germline. Not counted in ClinVar's aggregate classification.
Comment: This variant is classified as likely benign based on ACMG/AMP sequence variant interpretation guidelines (Richards et al. 2015 PMID: 25741868, with internal and published modifications).

NM_053054.4(CATSPER1):c.145G>A (p.Gly49Ser)

Gene: CATSPER1 (cation channel sperm associated 1; minus strand). Cytogenetic location: 11q13.1.
Variant type: single nucleotide variant.
Coding change: c.145G>A on transcript NM_053054.4 (MANE Select); coding-DNA position 145, G replaced by A.
Protein change: p.Gly49Ser; replaces glycine 49 with serine.
Molecular consequence: missense variant.
Genome position (GRCh38, 1-based): chr11:66,026,235, C>T on the plus strand (G>A on the coding strand, the complement: CATSPER1 is on the minus strand). VCF-style: chr11-66026235-C-T. GRCh37 (hg19) VCF-style: chr11-65793706-C-T.
Other names: short protein forms G49S.
Identifiers: ClinVar variation 877903 (VCV000877903.6), dbSNP rs149821768, ClinGen allele CA6114998.